The following is an entry in ClinVar:

NM_006796.3(AFG3L2):c.[1814A>G;2375dup]

Variant type: Haplotype.
Identifiers: ClinVar variation 973112 (VCV000973112.3).

ClinVar aggregate classification (germline): Pathogenic (0 of 4 stars; one submission).

Conditions:
Optic atrophy. Identifiers: MedGen C0029124, MONDO:0003608, HP:0000648.

Submission:

Neurogenetics, IRCCS Istituto delle Scienze Neurologiche di Bologna
Classification: Pathogenic for Optic atrophy. Review status: no assertion criteria provided. Collection method: research. Allele origin: germline. Affected: yes. Observed: 1 variant allele.
Comment: Optic Atrophy 12, OPA12

Literature cited by the submitters: PubMed 32219868.